The following is an entry in ClinVar:

ClinVar aggregate classification (germline): Benign (1 of 4 stars; one submission).

Conditions:
Oroticaciduria. Also called: Orotic aciduria. Identifiers: Orphanet 30, MedGen C0268128, HP:0003218.

Allele frequency attached by ClinVar (database versions not stated): 1000 Genomes Project 0.03375; gnomAD 0.02705 and 0.02547; ExAC 0.00167; gnomAD exomes 0.00536; 1000 Genomes Project 30x 0.03420; TOPMed 0.02854.
gnomAD v4.1: 4,855 of 450,638 alleles (1.1%); highest among the groups gnomAD compares: African/African-American, 8.8%; 183 homozygotes.

Submission:

Illumina Laboratory Services, Illumina
Classification: Benign for Hereditary orotic aciduria. Last evaluated: 2018-01-13. Review status: criteria provided, single submitter. Criteria: ICSL Variant Classification Criteria 13 December 2019. Collection method: clinical testing. Allele origin: germline.
Comment: This variant was observed in the ICSL laboratory as part of a predisposition screen in an ostensibly healthy population. It had not been previously curated by ICSL or reported in the Human Gene Mutation Database (HGMD: prior to June 1st, 2018), and was therefore a candidate for classification through an automated scoring system. Utilizing variant allele frequency, disease prevalence and penetrance estimates, and inheritance mode, an automated score was calculated to assess if this variant is too frequent to cause the disease. Based on the score and internal cut-off values, a variant classified as benign is not then subjected to further curation. The score for this variant resulted in a classification of benign for this disease.

NM_000373.4(UMPS):c.*3537G>A

Gene: UMPS (uridine monophosphate synthetase; plus strand). Cytogenetic location: 3q21.2.
Variant type: single nucleotide variant.
Coding change: c.*3537G>A on transcript NM_000373.4 (MANE Select); 3537 bases downstream of the stop codon, G replaced by A.
Molecular consequence: 3 prime UTR variant. On other transcripts: non-coding transcript variant (2).
Genome position (GRCh38, 1-based): chr3:124,747,621, G>A. VCF-style: chr3-124747621-G-A. GRCh37 (hg19) VCF-style: chr3-124466468-G-A.
Identifiers: ClinVar variation 343010 (VCV000343010.5), dbSNP rs606369, ClinGen allele CA2582123.